The following is an entry in ClinVar:

ClinVar aggregate classification (germline): Uncertain significance. Review status: criteria provided, multiple submitters, no conflicts (2 of 4 stars). 2 submissions from 2 submitters: Uncertain significance (2). Last evaluated 2025-11-17.

Conditions:
Familial sleep-related hypermotor epilepsy. Also called: Autosomal Dominant Sleep-Related Hypermotor (Hyperkinetic) Epilepsy. Identifiers: Orphanet 98784, MedGen C3696898, MONDO:0000030.
Inborn genetic diseases. Identifiers: MedGen C0950123, MeSH D030342.

Allele frequency attached by ClinVar (database versions not stated): gnomAD exomes below 0.00001 and 0.00001; gnomAD 0.00001 and 0.00002; TOPMed 0.00002.
gnomAD v4.1: 15 of 1,614,030 alleles (0.00093%); highest among the groups gnomAD compares: Admixed American, 0.005%; no homozygotes.

Submissions (2):

Labcorp Genetics (formerly Invitae), Labcorp
Classification: Uncertain significance. Last evaluated: 2025-11-17. Review status: criteria provided, single submitter. Criteria: Invitae Variant Classification Sherloc (09022015). Collection method: clinical testing. Allele origin: germline.
Comment: This sequence change replaces glycine, which is neutral and non-polar, with serine, which is neutral and polar, at codon 294 of the CHRNA2 protein (p.Gly294Ser). This variant is present in population databases (no rsID available, gnomAD 0.003%). This variant has not been reported in the literature in individuals affected with CHRNA2-related conditions. ClinVar contains an entry for this variant (Variation ID: 1397610). Invitae Evidence Modeling of protein sequence and biophysical properties (such as structural, functional, and spatial information, amino acid conservation, physicochemical variation, residue mobility, and thermodynamic stability) indicates that this missense variant is not expected to disrupt CHRNA2 protein function with a negative predictive value of 80%. In summary, the available evidence is currently insufficient to determine the role of this variant in disease. Therefore, it has been classified as a Variant of Uncertain Significance.

Ambry Genetics
Classification: Uncertain significance for Inborn genetic diseases. Last evaluated: 2025-01-16. Review status: criteria provided, single submitter. Criteria: Ambry Variant Classification Scheme 2023. Collection method: clinical testing. Allele origin: germline.

NM_000742.4(CHRNA2):c.880G>A (p.Gly294Ser)

Gene: CHRNA2 (cholinergic receptor nicotinic alpha 2 subunit; minus strand). Cytogenetic location: 8p21.2.
Variant type: single nucleotide variant.
Coding change: c.880G>A on transcript NM_000742.4 (MANE Select); coding-DNA position 880, G replaced by A.
Protein change: p.Gly294Ser; replaces glycine 294 with serine.
Molecular consequence: missense variant.
Genome position (GRCh38, 1-based): chr8:27,463,563, C>T on the plus strand (G>A on the coding strand, the complement: CHRNA2 is on the minus strand). VCF-style: chr8-27463563-C-T. GRCh37 (hg19) VCF-style: chr8-27321080-C-T.
Other names: c.835G>A, p.Gly279Ser (NM_001282455.2); c.403G>A, p.Gly135Ser (NM_001347705.2, NM_001347706.2); c.286G>A, p.Gly96Ser (NM_001347707.2, NM_001347708.2); short protein forms G279S, G294S, G96S, G135S.
Identifiers: ClinVar variation 1397610 (VCV001397610.12), dbSNP rs1039488837, ClinGen allele CA174242156.
Genomic context (GRCh38, chr8:27,463,563, plus strand): 5'-TGAGCAGCAGGAAGACGGTGAGTGACAGCAGCACCGAAATGCACAGCGTGATCTTCTCGC[C>T]GCAGTCGGAGGGCAGGTAGAAGACCAGCACAGTGAGGCAGGAGATGAGCAGGCAGGGGAT-3'
Protein context (NP_000733.2, residues 284-304): VLVFYLPSDC[Gly294Ser]EKITLCISVL